The following is an entry in ClinVar:

ClinVar aggregate classification (germline): Conflicting classifications of pathogenicity. Review status: criteria provided, conflicting classifications (1 of 4 stars). 2 submissions from 2 submitters: Likely pathogenic (1); Uncertain significance (1). Last evaluated 2025-01-20.

Conditions:
Acrodermatitis continua suppurativa of Hallopeau (PSORS14). Also called: INTERLEUKIN 36 RECEPTOR ANTAGONIST DEFICIENCY; Psoriasis 14, pustular; ACRODERMATITIS CONTINUA OF HALLOPEAU. Identifiers: Orphanet 163931, MedGen C0392439, MONDO:0013626, OMIM 614204.
Generalized pustular psoriasis. Identifiers: Orphanet 247353, MedGen C0343055, MONDO:0100491.

Allele frequency attached by ClinVar (database versions not stated): ExAC 0.00001; gnomAD 0.00001 and 0.00003; TOPMed 0.00003; gnomAD exomes 0.00004.
gnomAD v4.1: 46 of 1,613,750 alleles (0.0029%); highest among the groups gnomAD compares: East Asian, 0.02%; no homozygotes.

Submissions (2):

First Genomix Gene Laboratory, Genetic Diagnostics Department
Classification: Likely pathogenic for Acrodermatitis continua suppurativa of Hallopeau. Last evaluated: 2025-01-20. Review status: criteria provided, single submitter. Criteria: ACMG Guidelines, 2015. Collection method: clinical testing. Allele origin: germline. Inheritance: Autosomal recessive inheritance. Affected: no. Observed: 1 variant allele.

Labcorp Genetics (formerly Invitae), Labcorp
Classification: Uncertain significance for Generalized pustular psoriasis. Last evaluated: 2022-06-27. Review status: criteria provided, single submitter. Criteria: Invitae Variant Classification Sherloc (09022015). Collection method: clinical testing. Allele origin: germline.
Comment: This sequence change replaces threonine, which is neutral and polar, with methionine, which is neutral and non-polar, at codon 123 of the IL36RN protein (p.Thr123Met). This variant is present in population databases (rs397514629, gnomAD 0.01%). In summary, the available evidence is currently insufficient to determine the role of this variant in disease. Therefore, it has been classified as a Variant of Uncertain Significance. Experimental studies have shown that this missense change affects IL36RN function (PMID: 26147717, 27220475). Algorithms developed to predict the effect of missense changes on protein structure and function output the following: SIFT: "Deleterious"; PolyPhen-2: "Possibly Damaging"; Align-GVGD: "Class C15". The methionine amino acid residue is found in multiple mammalian species, which suggests that this missense change does not adversely affect protein function. ClinVar contains an entry for this variant (Variation ID: 662407). This missense change has been observed in individual(s) with generalized pustular psoriasis (PMID: 23834760, 25212972, 25615897, 26147717).

Literature cited by the submitters: PubMed 26147717 (cited by Labcorp Genetics (formerly Invitae), Labcorp); PubMed 27220475 (cited by Labcorp Genetics (formerly Invitae), Labcorp); PubMed 23834760 (cited by Labcorp Genetics (formerly Invitae), Labcorp); PubMed 25212972 (cited by Labcorp Genetics (formerly Invitae), Labcorp); PubMed 25615897 (cited by Labcorp Genetics (formerly Invitae), Labcorp).

NM_012275.3(IL36RN):c.368C>T (p.Thr123Met)

Gene: IL36RN (interleukin 36 receptor antagonist; plus strand). Cytogenetic location: 2q14.1.
Variant type: single nucleotide variant.
Coding change: c.368C>T on transcript NM_012275.3 (MANE Select); coding-DNA position 368, C replaced by T.
Protein change: p.Thr123Met; replaces threonine 123 with methionine.
Molecular consequence: missense variant.
Genome position (GRCh38, 1-based): chr2:113,062,577, C>T. VCF-style: chr2-113062577-C-T. GRCh37 (hg19) VCF-style: chr2-113820154-C-T.
Other names: c.368C>T, p.Thr123Met (NM_173170.1); short protein forms T123M.
Identifiers: ClinVar variation 662407 (VCV000662407.7), dbSNP rs397514629, ClinGen allele CA1838451.